The following is an entry in ClinVar:

ClinVar aggregate classification (germline): Uncertain significance (1 of 4 stars; one submission).

Conditions:
Hypertrophic cardiomyopathy. Also called: HYPERTROPHIC MYOCARDIOPATHY. Identifiers: Orphanet 217569, MedGen C0007194, MeSH D002312, MONDO:0005045, HP:0001639.

Submission:

Labcorp Genetics (formerly Invitae), Labcorp
Classification: Uncertain significance for Hypertrophic cardiomyopathy. Last evaluated: 2024-04-24. Review status: criteria provided, single submitter. Criteria: Invitae Variant Classification Sherloc (09022015). Collection method: clinical testing. Allele origin: germline.
Comment: This sequence change replaces valine, which is neutral and non-polar, with leucine, which is neutral and non-polar, at codon 617 of the MYBPC3 protein (p.Val617Leu). This variant is not present in population databases (gnomAD no frequency). This variant has not been reported in the literature in individuals affected with MYBPC3-related conditions. An algorithm developed to predict the effect of missense changes on protein structure and function (PolyPhen-2) suggests that this variant is likely to be disruptive. In summary, the available evidence is currently insufficient to determine the role of this variant in disease. Therefore, it has been classified as a Variant of Uncertain Significance.

NM_000256.3(MYBPC3):c.1849G>T (p.Val617Leu)

Gene: MYBPC3 (myosin binding protein C3; minus strand). Cytogenetic location: 11p11.2.
Variant type: single nucleotide variant.
Coding change: c.1849G>T on transcript NM_000256.3 (MANE Select); coding-DNA position 1849, G replaced by T.
Protein change: p.Val617Leu; replaces valine 617 with leucine.
Molecular consequence: missense variant.
Genome position (GRCh38, 1-based): chr11:47,341,186, C>A on the plus strand (G>T on the coding strand, the complement: MYBPC3 is on the minus strand). VCF-style: chr11-47341186-C-A. GRCh37 (hg19) VCF-style: chr11-47362737-C-A.
Other names: short protein forms V617L.
Identifiers: ClinVar variation 3630165 (VCV003630165.2).